The following is an entry in ClinVar:

ClinVar aggregate classification (germline): Pathogenic. Review status: criteria provided, multiple submitters, no conflicts (2 of 4 stars). 2 submissions from 2 submitters: Pathogenic (2). Last evaluated 2023-11-02.

Conditions:
Hereditary cancer-predisposing syndrome. Also called: Tumor predisposition; Hereditary neoplastic syndrome; Neoplastic Syndromes, Hereditary; Hereditary Cancer Syndrome. Identifiers: Orphanet 140162, MedGen C0027672, MeSH D009386, MONDO:0015356.
Familial cancer of breast. Also called: Hereditary breast cancer; BREAST CANCER, FAMILIAL; hereditary breast carcinoma. Identifiers: Orphanet 227535, MedGen C0346153, MONDO:0016419, OMIM 114480. Disease mechanism: loss of function.

Submissions (2):

Ambry Genetics
Classification: Pathogenic for Hereditary cancer-predisposing syndrome. Last evaluated: 2023-11-02. Review status: criteria provided, single submitter. Criteria: Ambry Variant Classification Scheme 2023. Collection method: clinical testing. Allele origin: germline.
Comment: The c.1758delT pathogenic mutation, located in coding exon 11 of the BRIP1 gene, results from a deletion of one nucleotide at nucleotide position 1758, causing a translational frameshift with a predicted alternate stop codon (p.H587Mfs*3). This alteration is expected to result in loss of function by premature protein truncation or nonsense-mediated mRNA decay. As such, this alteration is interpreted as a disease-causing mutation.

Myriad Genetics, Inc.
Classification: Pathogenic for Familial cancer of breast. Last evaluated: 2023-06-05. Review status: criteria provided, single submitter. Criteria: Myriad Autosomal Dominant, Autosomal Recessive and X-Linked Classification Criteria (2023). Collection method: clinical testing. Allele origin: unknown.
Comment: This variant is considered pathogenic. This variant creates a frameshift predicted to result in premature protein truncation.

NM_032043.3(BRIP1):c.1758del (p.His587fs)

Gene: BRIP1 (BRCA1 interacting DNA helicase 1; minus strand). Cytogenetic location: 17q23.2.
Variant type: Deletion.
Coding change: c.1758del on transcript NM_032043.3 (MANE Select); coding-DNA position 1758, one base deleted (T; older notation c.1758delT).
Protein change: p.His587fs; shifts the reading frame from histidine 587.
Molecular consequence: frameshift variant.
Genome position (GRCh38, 1-based): chr17:61,780,876, A deleted on the plus strand (T on the coding strand, the reverse complement: BRIP1 is on the minus strand); the first of 2 consecutive A bases (chr17:61,780,876-61,780,877); deleting either gives the same sequence. VCF-style (leftmost placement, unchanged base first): chr17-61780875-GA-G. GRCh37 (hg19) VCF-style: chr17-59858236-GA-G.
Other names: c.1758delT (NM_032043.2); short protein forms H587fs.
Identifiers: ClinVar variation 2583242 (VCV002583242.3), dbSNP rs2545027670, ClinGen allele CA2582342277.
Genomic context (GRCh38, chr17:61,780,875, plus strand): 5'-ATTTCCATTTACATGATGAGCTTACCACAGCTGGATTTAAGCACCAAAAGTTTAGCACAT[GA>G]ACTGCAGTTTTCTGTCGTGAACGTTTCTTATTTTTTGGTAGAACCAACAACCCATTTTTG-3'